The following is an entry in ClinVar:

ClinVar aggregate classification (germline): Uncertain significance (1 of 4 stars; one submission).

Allele frequency attached by ClinVar (database versions not stated): gnomAD exomes below 0.00001; ExAC 0.00001; TOPMed 0.00001.
gnomAD v4.1: 4 of 1,612,738 alleles (0.00025%); highest among the groups gnomAD compares: Admixed American, 0.0033%; no homozygotes.

Submission:

Ambry Genetics
Classification: Uncertain significance. Last evaluated: 2023-04-03. Review status: criteria provided, single submitter. Criteria: Ambry Variant Classification Scheme 2023. Collection method: clinical testing. Allele origin: germline.
Comment: The p.L1646S variant (also known as c.4937T>C), located in coding exon 16 of the POLQ gene, results from a T to C substitution at nucleotide position 4937. The leucine at codon 1646 is replaced by serine, an amino acid with dissimilar properties. This amino acid position is conserved. In addition, this alteration is predicted to be deleterious by in silico analysis. Since supporting evidence is limited at this time, the clinical significance of this alteration remains unclear.

NM_199420.4(POLQ):c.4937T>C (p.Leu1646Ser)

Gene: POLQ (DNA polymerase theta; minus strand). Cytogenetic location: 3q13.33.
Variant type: single nucleotide variant.
Coding change: c.4937T>C on transcript NM_199420.4 (MANE Select); coding-DNA position 4937, T replaced by C.
Protein change: p.Leu1646Ser; replaces leucine 1646 with serine.
Molecular consequence: missense variant.
Genome position (GRCh38, 1-based): chr3:121,487,994, A>G on the plus strand (T>C on the coding strand, the complement: POLQ is on the minus strand). VCF-style: chr3-121487994-A-G. GRCh37 (hg19) VCF-style: chr3-121206841-A-G.
Other names: short protein forms L1646S.
Identifiers: ClinVar variation 2563782 (VCV002563782.2), dbSNP rs778165951, ClinGen allele CA2562820.